The following is an entry in ClinVar:

NM_005751.5(AKAP9):c.4960A>G (p.Arg1654Gly)

Genes: AKAP9 (A-kinase anchoring protein 9; plus strand), LOC121175350 (Sharpr-MPRA regulatory region 2641; plus strand). Cytogenetic location: 7q21.2.
Variant type: single nucleotide variant.
Coding change: c.4960A>G on transcript NM_005751.5 (MANE Select); coding-DNA position 4960, A replaced by G.
Protein change: p.Arg1654Gly; replaces arginine 1654 with glycine.
Molecular consequence: missense variant.
Genome position (GRCh38, 1-based): chr7:92,042,088, A>G. VCF-style: chr7-92042088-A-G. GRCh37 (hg19) VCF-style: chr7-91671402-A-G.
Other names: c.4960A>G, p.Arg1654Gly (NM_147185.3); short protein forms R1654G.
Identifiers: ClinVar variation 4873589 (VCV004873589.2).
Genomic context (GRCh38, chr7:92,042,088, plus strand): 5'-ACCTTTTTTCTTATTTAGAGATCCTCCATAGATAATGAAAACCTGGTTTCAGAGAGAGAG[A>G]GGGTGCTTTTAGAGGAGCTGGAAGCACTAAAGCAGCTGTCTTTAGCTGGAAGAGAGAAGC-3'
Protein context (NP_005742.4, residues 1644-1664): DNENLVSERE[Arg1654Gly]VLLEELEALK

ClinVar aggregate classification (germline): Uncertain significance (1 of 4 stars; one submission).

gnomAD v4.1: 2 of 1,613,876 alleles (0.00012%); highest among the groups gnomAD compares: South Asian, 0.0011%; no homozygotes.

Submission:

CeGaT Center for Human Genetics Tuebingen
Classification: Uncertain significance. Last evaluated: 2026-06-01. Review status: criteria provided, single submitter. Criteria: CeGaT Center For Human Genetics Tuebingen Variant Classification Criteria Version 2. Collection method: clinical testing. Allele origin: germline. Affected: yes. Observed: 1 variant allele.
Comment: AKAP9: PM2, BP4